The following is an entry in ClinVar:

NM_000186.4(CFH):c.3143G>A (p.Cys1048Tyr)

Gene: CFH (complement factor H; plus strand). Cytogenetic location: 1q31.3.
Variant type: single nucleotide variant.
Coding change: c.3143G>A on transcript NM_000186.4 (MANE Select); coding-DNA position 3143, G replaced by A.
Protein change: p.Cys1048Tyr; replaces cysteine 1048 with tyrosine.
Molecular consequence: missense variant.
Genome position (GRCh38, 1-based): chr1:196,743,461, G>A. VCF-style: chr1-196743461-G-A. GRCh37 (hg19) VCF-style: chr1-196712591-G-A.
Other names: short protein forms C1048Y.
Identifiers: ClinVar variation 4291540 (VCV004291540.1).

ClinVar aggregate classification (germline): Uncertain significance (1 of 4 stars; one submission).

Conditions:
Atypical hemolytic-uremic syndrome. Identifiers: Orphanet 2134, MedGen C2931788, MONDO:0016244.

gnomAD v4.1: 1 of 1,613,856 alleles (0.000062%); highest among the groups gnomAD compares: African/African-American, 0.0013%; no homozygotes.

Submission:

Genomenon, Inc
Classification: Uncertain significance for Atypical hemolytic-uremic syndrome. Last evaluated: 2025-10-02. Review status: criteria provided, single submitter. Criteria: Genomenon Sequence Variant Interpretation Standards - Updated. Collection method: curation. Allele origin: germline. Affected: yes.
Comment: CFH p.Cys1048Tyr (c.3143G>A) is a missense variant that changes the amino acid at residue 1048 from Cysteine to Tyrosine. This variant has been observed in at least one proband affected with atypical hemolytic-uremic syndrome (PMID:31791575). It is absent or not present at a significant frequency in gnomAD. In silico models agree that this variant is possibly or probably damaging. In conclusion, we classify CFH p.Cys1048Tyr (c.3143G>A) as a variant of uncertain significance.

Literature cited by the submitters: PubMed 31791575.